The following is an entry in ClinVar:

ClinVar aggregate classification (germline): Uncertain significance. Review status: criteria provided, multiple submitters, no conflicts (2 of 4 stars). 2 submissions from 2 submitters: Uncertain significance (2). Last evaluated 2025-12-19.

Conditions:
Cardiovascular phenotype. Identifiers: MedGen CN230736.

gnomAD v4.1: 11 of 1,598,632 alleles (0.00069%); highest among the groups gnomAD compares: Admixed American, 0.019%; no homozygotes.

Submissions (2):

Labcorp Genetics (formerly Invitae), Labcorp
Classification: Uncertain significance. Last evaluated: 2025-12-19. Review status: criteria provided, single submitter. Criteria: Invitae Variant Classification Sherloc (09022015). Collection method: clinical testing. Allele origin: germline.
Comment: This sequence change replaces proline, which is neutral and non-polar, with leucine, which is neutral and non-polar, at codon 1126 of the ALPK3 protein (p.Pro1126Leu). This variant is present in population databases (no rsID available, gnomAD 0.02%). This variant has not been reported in the literature in individuals affected with ALPK3-related conditions. ClinVar contains an entry for this variant (Variation ID: 1508543). Invitae Evidence Modeling of protein sequence and biophysical properties (such as structural, functional, and spatial information, amino acid conservation, physicochemical variation, residue mobility, and thermodynamic stability) indicates that this missense variant is not expected to disrupt ALPK3 protein function with a negative predictive value of 80%. In summary, the available evidence is currently insufficient to determine the role of this variant in disease. Therefore, it has been classified as a Variant of Uncertain Significance.

Ambry Genetics
Classification: Uncertain significance for Cardiovascular phenotype. Last evaluated: 2023-06-17. Review status: criteria provided, single submitter. Criteria: Ambry Variant Classification Scheme 2023. Collection method: clinical testing. Allele origin: germline.
Comment: The p.P1126L variant (also known as c.3377C>T), located in coding exon 6 of the ALPK3 gene, results from a C to T substitution at nucleotide position 3377. The proline at codon 1126 is replaced by leucine, an amino acid with similar properties. This amino acid position is conserved. In addition, this alteration is predicted to be tolerated by in silico analysis. Since supporting evidence is limited at this time, the clinical significance of this alteration remains unclear.

NM_020778.5(ALPK3):c.2771C>T (p.Pro924Leu)

Gene: ALPK3 (alpha kinase 3; plus strand). Cytogenetic location: 15q25.3.
Variant type: single nucleotide variant.
Coding change: c.2771C>T on transcript NM_020778.5 (MANE Select); coding-DNA position 2771, C replaced by T.
Protein change: p.Pro924Leu; replaces proline 924 with leucine.
Molecular consequence: missense variant.
Genome position (GRCh38, 1-based): chr15:84,857,509, C>T. VCF-style: chr15-84857509-C-T. GRCh37 (hg19) VCF-style: chr15-85400740-C-T.
Other names: c.3377C>T (NM_020778.4); short protein forms P924L.
Identifiers: ClinVar variation 1508543 (VCV001508543.7), dbSNP rs1346027337, ClinGen allele CA393358316.